The following is an entry in ClinVar:

ClinVar aggregate classification (germline): Uncertain significance. Review status: criteria provided, single submitter (1 of 4 stars). 2 submissions from 2 submitters: Uncertain significance (1). 1 of the submissions does not count toward it. Last evaluated 2025-11-01.

Conditions:
Familial thoracic aortic aneurysm and aortic dissection (TAAD). Also called: Thoracic aortic aneurysms and dissections. Identifiers: Orphanet 91387, MedGen C4707243, MONDO:0019625.
Marfan syndrome (MFS). Also called: Marfan syndrome type 1; Marfan syndrome, classic; Marfan's syndrome; FBN1-Related Marfan Syndrome; MARFAN SYNDROME, TYPE I. Identifiers: Orphanet 284963, Orphanet 558, MedGen C0024796, MONDO:0007947, OMIM 154700.

Allele frequency attached by ClinVar (database versions not stated): gnomAD exomes 0.00001 and 0.00002; ExAC 0.00001.
gnomAD v4.1: 34 of 1,611,866 alleles (0.0021%); highest among the groups gnomAD compares: Non-Finnish European, 0.0028%; no homozygotes.

Submissions (2):

Labcorp Genetics (formerly Invitae), Labcorp
Classification: Uncertain significance for Marfan syndrome; Familial thoracic aortic aneurysm and aortic dissection. Last evaluated: 2025-11-01. Review status: criteria provided, single submitter. Criteria: Invitae Variant Classification Sherloc (09022015). Collection method: clinical testing. Allele origin: germline.
Comment: This sequence change replaces histidine, which is basic and polar, with arginine, which is basic and polar, at codon 1924 of the FBN1 protein (p.His1924Arg). This variant is present in population databases (rs748230405, gnomAD 0.002%). This variant has not been reported in the literature in individuals affected with FBN1-related conditions. ClinVar contains an entry for this variant (Variation ID: 549302). Invitae Evidence Modeling of protein sequence and biophysical properties (such as structural, functional, and spatial information, amino acid conservation, physicochemical variation, residue mobility, and thermodynamic stability) has been performed for this missense variant. However, the output from this modeling did not meet the statistical confidence thresholds required to predict the impact of this variant on FBN1 protein function. In summary, the available evidence is currently insufficient to determine the role of this variant in disease. Therefore, it has been classified as a Variant of Uncertain Significance.

Center for Medical Genetics Ghent, University of Ghent
Classification: Uncertain significance for Marfan syndrome. Last evaluated: 2017-11-07. Review status: no assertion criteria provided. Collection method: clinical testing. Allele origin: germline. Affected: yes. Not counted in ClinVar's aggregate classification.

NM_000138.5(FBN1):c.5771A>G (p.His1924Arg)

Gene: FBN1 (fibrillin 1; minus strand). Cytogenetic location: 15q21.1.
Variant type: single nucleotide variant.
Coding change: c.5771A>G on transcript NM_000138.5 (MANE Select); coding-DNA position 5771, A replaced by G.
Protein change: p.His1924Arg; replaces histidine 1924 with arginine.
Molecular consequence: missense variant.
Genome position (GRCh38, 1-based): chr15:48,446,723, T>C on the plus strand (A>G on the coding strand, the complement: FBN1 is on the minus strand). VCF-style: chr15-48446723-T-C. GRCh37 (hg19) VCF-style: chr15-48738920-T-C.
Other names: short protein forms H1924R.
Identifiers: ClinVar variation 549302 (VCV000549302.7), dbSNP rs748230405, ClinGen allele CA055499.
Genomic context (GRCh38, chr15:48,446,723, plus strand): 5'-TAAAACTGACTTCCTTTGCTGATGCACAATTTTGCACACGCACCTATACAGTCATTGTTG[T>C]GAGAAAGGATGAAACCATGATTGCAGCGGCAGTTGAAGGAACCAATTGTGTTCCGGCAAG-3'
Protein context (NP_000129.3, residues 1914-1934): CRCNHGFILS[His1924Arg]NNDCIDVDEC